The following is an entry in ClinVar:

ClinVar aggregate classification (germline): Uncertain significance (1 of 4 stars; one submission).

Conditions:
Hereditary cancer-predisposing syndrome. Also called: Neoplastic Syndromes, Hereditary; Tumor predisposition; Hereditary Cancer Syndrome; Hereditary neoplastic syndrome. Identifiers: Orphanet 140162, MedGen C0027672, MeSH D009386, MONDO:0015356.
Cardiovascular phenotype. Identifiers: MedGen CN230736.

Submission:

Ambry Genetics
Classification: Uncertain significance for Cardiovascular phenotype; Hereditary cancer-predisposing syndrome. Last evaluated: 2020-11-24. Review status: criteria provided, single submitter. Criteria: Ambry Variant Classification Scheme 2023. Collection method: clinical testing. Allele origin: germline.
Comment: The p.T2394K variant (also known as c.7181C>A), located in coding exon 48 of the NF1 gene, results from a C to A substitution at nucleotide position 7181. The threonine at codon 2394 is replaced by lysine, an amino acid with similar properties. This amino acid position is highly conserved in available vertebrate species. In addition, the in silico prediction for this alteration is inconclusive. Since supporting evidence is limited at this time, the clinical significance of this alteration remains unclear.

NM_001042492.3(NF1):c.7244C>A (p.Thr2415Lys)

Gene: NF1 (neurofibromin 1; plus strand). Cytogenetic location: 17q11.2.
Variant type: single nucleotide variant.
Coding change: c.7244C>A on transcript NM_001042492.3 (MANE Select); coding-DNA position 7244, C replaced by A.
Protein change: p.Thr2415Lys; replaces threonine 2415 with lysine.
Molecular consequence: missense variant.
Genome position (GRCh38, 1-based): chr17:31,349,174, C>A. VCF-style: chr17-31349174-C-A. GRCh37 (hg19) VCF-style: chr17-29676192-C-A.
Other names: c.7181C>A, p.Thr2394Lys (NM_000267.4); short protein forms T2415K, T2394K.
Identifiers: ClinVar variation 1757547 (VCV001757547.2), dbSNP rs2151572645, ClinGen allele CA399016763.